The following is an entry in ClinVar:

ClinVar aggregate classification (germline): Uncertain significance (1 of 4 stars; one submission).

Conditions:
Hereditary cancer-predisposing syndrome. Also called: Hereditary Cancer Syndrome; Hereditary neoplastic syndrome; Tumor predisposition; Neoplastic Syndromes, Hereditary. Identifiers: Orphanet 140162, MedGen C0027672, MeSH D009386, MONDO:0015356.

Submission:

Ambry Genetics
Classification: Uncertain significance for Hereditary cancer-predisposing syndrome. Last evaluated: 2024-10-21. Review status: criteria provided, single submitter. Criteria: Ambry Variant Classification Scheme 2023. Collection method: clinical testing. Allele origin: germline.
Comment: The p.A118T variant (also known as c.352G>A), located in coding exon 1 of the ALK gene, results from a G to A substitution at nucleotide position 352. The alanine at codon 118 is replaced by threonine, an amino acid with similar properties. This amino acid position is conserved. In addition, this alteration is predicted to be tolerated by in silico analysis. Based on the available evidence, the clinical significance of this variant remains unclear.

NM_004304.5(ALK):c.352G>A (p.Ala118Thr)

Gene: ALK (ALK receptor tyrosine kinase; minus strand). Cytogenetic location: 2p23.1.
Variant type: single nucleotide variant.
Coding change: c.352G>A on transcript NM_004304.5 (MANE Select); coding-DNA position 352, G replaced by A.
Protein change: p.Ala118Thr; replaces alanine 118 with threonine.
Molecular consequence: missense variant.
Genome position (GRCh38, 1-based): chr2:29,920,308, C>T on the plus strand (G>A on the coding strand, the complement: ALK is on the minus strand). VCF-style: chr2-29920308-C-T. GRCh37 (hg19) VCF-style: chr2-30143174-C-T.
Other names: short protein forms A118T.
Identifiers: ClinVar variation 3524957 (VCV003524957.1).